The following is an entry in ClinVar:

ClinVar aggregate classification (germline): Likely pathogenic (1 of 4 stars; one submission).

Conditions:
Hereditary cancer-predisposing syndrome. Also called: Tumor predisposition; Neoplastic Syndromes, Hereditary; Hereditary Cancer Syndrome; Hereditary neoplastic syndrome. Identifiers: Orphanet 140162, MedGen C0027672, MeSH D009386, MONDO:0015356.

Submission:

Ambry Genetics
Classification: Likely pathogenic for Hereditary cancer-predisposing syndrome. Last evaluated: 2025-08-15. Review status: criteria provided, single submitter. Criteria: Ambry Variant Classification Scheme 2023. Collection method: clinical testing. Allele origin: germline.
Comment: The p.A266P variant (also known as c.796G>C), located in coding exon 10 of the MUTYH gene, results from a G to C substitution at nucleotide position 796. The alanine at codon 266 is replaced by proline, an amino acid with highly similar properties. In a massively parallel cell-based functional assay testing 7,8-dihydro-8- oxoguanine:adenine (8OG:A) repair activity, a byproduct of oxidative damage, this variant was reported to be non-functional (Hemker SL et al. Am J Hum Genet. Published online July 29, 2025. DOI: 10.1016/j.ajhg.2025.07.005). This amino acid position is highly conserved in available vertebrate species. In addition, this alteration is predicted to be deleterious by in silico analysis. This variant is considered to be rare based on population cohorts in the Genome Aggregation Database (gnomAD). Based on the majority of available evidence to date, this variant is likely to be pathogenic.

Literature cited by the submitters: PubMed 40738107.

NM_001048174.2(MUTYH):c.712G>C (p.Ala238Pro)

Gene: MUTYH (mutY DNA glycosylase; minus strand). Cytogenetic location: 1p34.1.
Variant type: single nucleotide variant.
Coding change: c.712G>C on transcript NM_001048174.2 (MANE Select); coding-DNA position 712, G replaced by C.
Protein change: p.Ala238Pro; replaces alanine 238 with proline.
Molecular consequence: missense variant. On other transcripts: non-coding transcript variant (7).
Genome position (GRCh38, 1-based): chr1:45,332,303, C>G on the plus strand (G>C on the coding strand, the complement: MUTYH is on the minus strand). VCF-style: chr1-45332303-C-G. GRCh37 (hg19) VCF-style: chr1-45797975-C-G.
Other names: c.712G>C, p.Ala238Pro (NM_001048171.2, NM_001048173.2, NM_001293195.2 and 6 more transcripts); c.715G>C, p.Ala239Pro (NM_001048172.2, NM_001407071.1, NM_001407078.1 and 1 more transcripts); c.796G>C, p.Ala266Pro (NM_001128425.2); c.757G>C, p.Ala253Pro (NM_001293190.2); c.745G>C, p.Ala249Pro (NM_001293191.2, NM_001407069.1, NM_001407077.1); c.436G>C, p.Ala146Pro (NM_001293192.2, NM_001293196.2, NM_001407091.1); c.367G>C, p.Ala123Pro (NM_001350650.2, NM_001350651.2, NM_001407082.1); c.628G>C, p.Ala210Pro (NM_001407075.1); and 5 more; short protein forms A146P, A225P, A238P, A239P, A245P, A263P, A123P, A266P.
Identifiers: ClinVar variation 3875923 (VCV003875923.2).